The following is an entry in ClinVar:

ClinVar aggregate classification (germline): Uncertain significance (1 of 4 stars; one submission).

Allele frequency attached by ClinVar (database versions not stated): gnomAD exomes below 0.00001.
gnomAD v4.1: 1 of 1,614,192 alleles (0.000062%); highest among the groups gnomAD compares: Admixed American, 0.0017%; no homozygotes.

Submission:

Labcorp Genetics (formerly Invitae), Labcorp
Classification: Uncertain significance. Last evaluated: 2021-06-17. Review status: criteria provided, single submitter. Criteria: Invitae Variant Classification Sherloc (09022015). Collection method: clinical testing. Allele origin: germline.
Comment: In summary, the available evidence is currently insufficient to determine the role of this variant in disease. Therefore, it has been classified as a Variant of Uncertain Significance. Algorithms developed to predict the effect of missense changes on protein structure and function (SIFT, PolyPhen-2, Align-GVGD) all suggest that this variant is likely to be tolerated, but these predictions have not been confirmed by published functional studies and their clinical significance is uncertain. This variant has not been reported in the literature in individuals with PSMB4-related conditions. This variant is not present in population databases (ExAC no frequency). This sequence change replaces threonine with isoleucine at codon 27 of the PSMB4 protein (p.Thr27Ile). The threonine residue is weakly conserved and there is a moderate physicochemical difference between threonine and isoleucine.

NM_002796.3(PSMB4):c.80C>T (p.Thr27Ile)

Gene: PSMB4 (proteasome 20S subunit beta 4; plus strand). Cytogenetic location: 1q21.3.
Variant type: single nucleotide variant.
Coding change: c.80C>T on transcript NM_002796.3 (MANE Select); coding-DNA position 80, C replaced by T.
Protein change: p.Thr27Ile; replaces threonine 27 with isoleucine.
Molecular consequence: missense variant.
Genome position (GRCh38, 1-based): chr1:151,399,667, C>T. VCF-style: chr1-151399667-C-T. GRCh37 (hg19) VCF-style: chr1-151372143-C-T.
Other names: short protein forms T27I.
Identifiers: ClinVar variation 1361914 (VCV001361914.8), dbSNP rs1286156033, ClinGen allele CA341919450.